The following is an entry in ClinVar:

ClinVar aggregate classification (germline): Conflicting classifications of pathogenicity. Review status: criteria provided, conflicting classifications (1 of 4 stars). 2 submissions from 2 submitters: Uncertain significance (1); Likely benign (1). Last evaluated 2023-07-10.

Conditions:
Hereditary breast ovarian cancer syndrome. Also called: Breast and ovarian cancer; BRCA1- and BRCA2-Associated Hereditary Breast and Ovarian Cancer; Hereditary breast and ovarian cancer; Hereditary breast and/or ovarian cancer syndrome; Hereditary breast and ovarian cancer syndrome; Hereditary breast and ovarian cancer syndrome (HBOC). Identifiers: Orphanet 145, MedGen C0677776, MeSH D061325, MONDO:0003582. Disease mechanism: loss of function.
Hereditary cancer-predisposing syndrome. Also called: Tumor predisposition; Hereditary neoplastic syndrome; Neoplastic Syndromes, Hereditary; Hereditary Cancer Syndrome. Identifiers: Orphanet 140162, MedGen C0027672, MeSH D009386, MONDO:0015356.

gnomAD v4.1: 3 of 1,608,728 alleles (0.00019%); highest among the groups gnomAD compares: Non-Finnish European, 0.00025%; no homozygotes.

Submissions (2):

Labcorp Genetics (formerly Invitae), Labcorp
Classification: Uncertain significance for Hereditary breast ovarian cancer syndrome. Last evaluated: 2023-07-10. Review status: criteria provided, single submitter. Criteria: Invitae Variant Classification Sherloc (09022015). Collection method: clinical testing. Allele origin: germline.
Comment: This sequence change replaces methionine, which is neutral and non-polar, with isoleucine, which is neutral and non-polar, at codon 524 of the BRCA2 protein (p.Met524Ile). In summary, the available evidence is currently insufficient to determine the role of this variant in disease. Therefore, it has been classified as a Variant of Uncertain Significance. Advanced modeling of protein sequence and biophysical properties (such as structural, functional, and spatial information, amino acid conservation, physicochemical variation, residue mobility, and thermodynamic stability) performed at Invitae indicates that this missense variant is not expected to disrupt BRCA2 protein function. ClinVar contains an entry for this variant (Variation ID: 2159520). This missense change has been observed in individual(s) with breast cancer (PMID: 30287823). This variant is not present in population databases (gnomAD no frequency).

University of Washington Department of Laboratory Medicine, University of Washington
Classification: Likely benign for Hereditary cancer-predisposing syndrome. Last evaluated: 2023-03-23. Review status: criteria provided, single submitter. Criteria: Dines et al. (Genet Med. 2020). Collection method: curation. Allele origin: germline.
Comment: Missense variant in a coldspot region where missense variants are very unlikely to be pathogenic (PMID:31911673).

BRCA2 exon 10 coldspot. Reclassification based on statistical prior probability.

Literature cited by the submitters: PubMed 30287823 (cited by Labcorp Genetics (formerly Invitae), Labcorp).

NM_000059.4(BRCA2):c.1572G>C (p.Met524Ile)

Gene: BRCA2 (BRCA2 DNA repair associated; plus strand). Cytogenetic location: 13q13.1.
Variant type: single nucleotide variant.
Coding change: c.1572G>C on transcript NM_000059.4 (MANE Select); coding-DNA position 1572, G replaced by C.
Protein change: p.Met524Ile; replaces methionine 524 with isoleucine.
Molecular consequence: missense variant.
Genome position (GRCh38, 1-based): chr13:32,333,050, G>C. VCF-style: chr13-32333050-G-C. GRCh37 (hg19) VCF-style: chr13-32907187-G-C.
Other names: c.1572G>C, p.Met524Ile (NM_001406719.1, NM_001406720.1, NM_001406721.1); short protein forms M524I.
Identifiers: ClinVar variation 2159520 (VCV002159520.6), dbSNP rs2137472762, ClinGen allele CA387764737.